The following is an entry in ClinVar:

ClinVar aggregate classification (germline): Uncertain significance (1 of 4 stars; one submission).

Conditions:
Periodic fever-infantile enterocolitis-autoinflammatory syndrome. Also called: Autoinflammation with infantile enterocolitis. Identifiers: Orphanet 436166, MedGen C4015067, MONDO:0014472, OMIM 616050.
Familial cold autoinflammatory syndrome 4 (FCAS4). Identifiers: Orphanet 47045, Orphanet 576349, MedGen C4015276, MONDO:0014498, OMIM 616115.

gnomAD v4.1: 3 of 1,570,766 alleles (0.00019%); highest among the groups gnomAD compares: Non-Finnish European, 0.00026%; no homozygotes.

Submission:

Labcorp Genetics (formerly Invitae), Labcorp
Classification: Uncertain significance for Periodic fever-infantile enterocolitis-autoinflammatory syndrome; Familial cold autoinflammatory syndrome 4. Last evaluated: 2024-12-24. Review status: criteria provided, single submitter. Criteria: Invitae Variant Classification Sherloc (09022015). Collection method: clinical testing. Allele origin: germline.
Comment: This sequence change affects a donor splice site in intron 4 of the NLRC4 gene. It is expected to disrupt RNA splicing. Variants that disrupt the donor or acceptor splice site typically lead to a loss of protein function (PMID: 16199547), however the current clinical and genetic evidence is not sufficient to establish whether loss-of-function variants in NLRC4 cause disease. This variant is not present in population databases (gnomAD no frequency). This variant has not been reported in the literature in individuals affected with NLRC4-related conditions. Algorithms developed to predict the effect of sequence changes on RNA splicing suggest that this variant may disrupt the consensus splice site. In summary, the available evidence is currently insufficient to determine the role of this variant in disease. Therefore, it has been classified as a Variant of Uncertain Significance.

Literature cited by the submitters: PubMed 16199547.

NM_001199138.2(NLRC4):c.2257+1G>A

Gene: NLRC4 (NLR family CARD domain containing 4; minus strand). Cytogenetic location: 2p22.3.
Variant type: single nucleotide variant.
Coding change: c.2257+1G>A on transcript NM_001199138.2 (MANE Select); the canonical splice donor site of the intron after coding-DNA position 2257, G replaced by A.
Molecular consequence: splice donor variant. On other transcripts: intron variant (1).
Genome position (GRCh38, 1-based): chr2:32,249,606, C>T on the plus strand (G>A on the coding strand, the complement: NLRC4 is on the minus strand). VCF-style: chr2-32249606-C-T. GRCh37 (hg19) VCF-style: chr2-32474675-C-T.
Other names: c.262+2813G>A (NM_001302504.1); c.2257+1G>A (NM_021209.4, NM_001199139.1).
Identifiers: ClinVar variation 3749853 (VCV003749853.2).